The following is an entry in ClinVar:

ClinVar aggregate classification (germline): Uncertain significance (1 of 4 stars; one submission).

Conditions:
Dilated cardiomyopathy 1G (CMD1G). Identifiers: Orphanet 154, MedGen C1858763, MONDO:0011400, OMIM 604145.
Autosomal recessive limb-girdle muscular dystrophy type 2J (LGMDR10). Also called: Limb-girdle muscular dystrophy, type 2J; MUSCULAR DYSTROPHY, LIMB-GIRDLE, AUTOSOMAL RECESSIVE 10. Identifiers: Orphanet 140922, MedGen C1837342, MONDO:0012127, OMIM 608807.

gnomAD v4.1: 1 of 1,614,032 alleles (0.000062%); highest among the groups gnomAD compares: Non-Finnish European, 0.000085%; no homozygotes.

Submission:

Labcorp Genetics (formerly Invitae), Labcorp
Classification: Uncertain significance for Dilated cardiomyopathy 1G; Autosomal recessive limb-girdle muscular dystrophy type 2J. Last evaluated: 2021-10-31. Review status: criteria provided, single submitter. Criteria: Invitae Variant Classification Sherloc (09022015). Collection method: clinical testing. Allele origin: germline.
Comment: This variant is located in the M band of TTN (PMID: 25589632). Variants in this region may be relevant for neuromuscular disorders, but have not been definitively shown to cause cardiomyopathy (PMID: 23975875). In summary, the available evidence is currently insufficient to determine the role of this variant in disease. Therefore, it has been classified as a Variant of Uncertain Significance. Algorithms developed to predict the effect of missense changes on protein structure and function output the following: SIFT: "Not Available"; PolyPhen-2: "Not Available"; Align-GVGD: "Not Available". The serine amino acid residue is found in multiple mammalian species, which suggests that this missense change does not adversely affect protein function. This variant has not been reported in the literature in individuals affected with TTN-related conditions. This variant is not present in population databases (gnomAD no frequency). This sequence change replaces threonine, which is neutral and polar, with serine, which is neutral and polar, at codon 35614 of the TTN protein (p.Thr35614Ser).

Literature cited by the submitters: PubMed 25589632; PubMed 23975875.

NM_001267550.2(TTN):c.106841C>G (p.Thr35614Ser)

Genes: TTN-AS1 (TTN antisense RNA 1; plus strand), TTN (titin; minus strand). Cytogenetic location: 2q31.2.
Variant type: single nucleotide variant.
Coding change: c.106841C>G on transcript NM_001267550.2 (MANE Select); coding-DNA position 106841, C replaced by G.
Protein change: p.Thr35614Ser; replaces threonine 35614 with serine.
Molecular consequence: missense variant.
Genome position (GRCh38, 1-based): chr2:178,528,910, G>C on the plus strand (C>G on the coding strand, the complement: TTN is on the minus strand). VCF-style: chr2-178528910-G-C. GRCh37 (hg19) VCF-style: chr2-179393637-G-C.
Other names: c.101918C>G, p.Thr33973Ser (NM_001256850.1); c.79646C>G, p.Thr26549Ser (NM_003319.4); c.99137C>G, p.Thr33046Ser (NM_133378.4); c.80021C>G, p.Thr26674Ser (NM_133432.3); c.80222C>G, p.Thr26741Ser (NM_133437.4); short protein forms T26741S, T26549S, T26674S, T33046S, T35614S, T33973S.
Identifiers: ClinVar variation 1485809 (VCV001485809.6), dbSNP rs2154131436, ClinGen allele CA349402899.
Genomic context (GRCh38, chr2:178,528,910, plus strand): 5'-GTGGCACCAGCAATGTTGGCTTTTAAAACCAGTCTTTGACCTTCGTTTATGCTCATCTGA[G>C]TAGAAAATGCTTTAATCTCAGCATGAGTTCTGACTTCTTCTGATGCCTGTGATGTTTTAG-3'
Protein context (NP_001254479.2, residues 35604-35624): RTHAEIKAFS[Thr35614Ser]QMSINEGQRL